The following is an entry in ClinVar:

ClinVar aggregate classification (germline): Uncertain significance (1 of 4 stars; one submission).

Submission:

Labcorp Genetics (formerly Invitae), Labcorp
Classification: Uncertain significance. Last evaluated: 2021-11-13. Review status: criteria provided, single submitter. Criteria: Invitae Variant Classification Sherloc (09022015). Collection method: clinical testing. Allele origin: germline.
Comment: This sequence change falls in intron 36 of the COL18A1 gene. It does not directly change the encoded amino acid sequence of the COL18A1 protein. It affects a nucleotide within the consensus splice site. This variant is not present in population databases (gnomAD no frequency). This variant has not been reported in the literature in individuals affected with COL18A1-related conditions. Variants that disrupt the consensus splice site are a relatively common cause of aberrant splicing (PMID: 17576681, 9536098). Algorithms developed to predict the effect of sequence changes on RNA splicing suggest that this variant may disrupt the consensus splice site. In summary, the available evidence is currently insufficient to determine the role of this variant in disease. Therefore, it has been classified as a Variant of Uncertain Significance.

Literature cited by the submitters: PubMed 17576681; PubMed 9536098.

NM_001379500.1(COL18A1):c.3087+6T>C

Genes: COL18A1 (collagen type XVIII alpha 1 chain; plus strand), SLC19A1 (solute carrier family 19 member 1; minus strand). Cytogenetic location: 21q22.3.
Variant type: single nucleotide variant.
Coding change: c.3087+6T>C on transcript NM_001379500.1 (MANE Select); 6 bases into the intron after coding-DNA position 3087, T replaced by C.
Molecular consequence: intron variant.
Genome position (GRCh38, 1-based): chr21:45,505,437, T>C. VCF-style: chr21-45505437-T-C. GRCh37 (hg19) VCF-style: chr21-46925351-T-C.
Other names: c.4332+6T>C (NM_130444.3); c.3627+6T>C (NM_030582.4).
Identifiers: ClinVar variation 1393110 (VCV001393110.3), dbSNP rs2146083468, ClinGen allele CA2573157812.
Genomic context (GRCh38, chr21:45,505,437, plus strand): 5'-TCCGGGCCCCCCTGGGCCCCCTGGGCCCCCTGGAACCATGGGCGCCTCCTCAGGGGTAAG[T>C]GTCTGGGCAGCCGGCTGGGCACCTGCGTCCCGTGCCCTGGCTGGTTCTGCAGCCCCTGCC-3'